The following is an entry in ClinVar:

ClinVar aggregate classification (germline): Uncertain significance. Review status: criteria provided, multiple submitters, no conflicts (2 of 4 stars). 2 submissions from 2 submitters: Uncertain significance (2). Last evaluated 2025-05-19.

gnomAD v4.1: 26 of 1,612,780 alleles (0.0016%); highest among the groups gnomAD compares: Non-Finnish European, 0.002%; no homozygotes.

Submissions (2):

Mayo Clinic Laboratories, Mayo Clinic
Classification: Uncertain significance. Last evaluated: 2025-05-19. Review status: criteria provided, single submitter. Criteria: ACMG Guidelines, 2015. Collection method: clinical testing. Allele origin: germline. Observed: 1 variant allele.
Comment: BP4, PM2_supporting

CeGaT Center for Human Genetics Tuebingen
Classification: Uncertain significance. Last evaluated: 2024-08-01. Review status: criteria provided, single submitter. Criteria: CeGaT Center For Human Genetics Tuebingen Variant Classification Criteria Version 2. Collection method: clinical testing. Allele origin: germline. Affected: yes. Observed: 1 variant allele.
Comment: IGHMBP2: PM2, BP4

NM_002180.3(IGHMBP2):c.2380G>C (p.Gly794Arg)

Gene: IGHMBP2 (immunoglobulin mu DNA binding protein 2; plus strand). Cytogenetic location: 11q13.3.
Variant type: single nucleotide variant.
Coding change: c.2380G>C on transcript NM_002180.3 (MANE Select); coding-DNA position 2380, G replaced by C.
Protein change: p.Gly794Arg; replaces glycine 794 with arginine.
Molecular consequence: missense variant.
Genome position (GRCh38, 1-based): chr11:68,936,860, G>C. VCF-style: chr11-68936860-G-C. GRCh37 (hg19) VCF-style: chr11-68704328-G-C.
Other names: p.Gly794Arg; short protein forms G794R.
Identifiers: ClinVar variation 3341895 (VCV003341895.16).